The following is an entry in ClinVar:

NM_022725.4(FANCF):c.332T>C (p.Leu111Pro)

Gene: FANCF (FA complementation group F; minus strand). Cytogenetic location: 11p14.3.
Variant type: single nucleotide variant.
Coding change: c.332T>C on transcript NM_022725.4 (MANE Select); coding-DNA position 332, T replaced by C.
Protein change: p.Leu111Pro; replaces leucine 111 with proline.
Molecular consequence: missense variant.
Genome position (GRCh38, 1-based): chr11:22,625,479, A>G on the plus strand (T>C on the coding strand, the complement: FANCF is on the minus strand). VCF-style: chr11-22625479-A-G. GRCh37 (hg19) VCF-style: chr11-22647025-A-G.
Other names: short protein forms L111P.
Identifiers: ClinVar variation 964253 (VCV000964253.15), dbSNP rs373385251, ClinGen allele CA5924369.

ClinVar aggregate classification (germline): Uncertain significance. Review status: criteria provided, multiple submitters, no conflicts (2 of 4 stars). 4 submissions from 4 submitters: Uncertain significance (4). Last evaluated 2026-01-12.

Conditions:
Fanconi anemia (FA). Also called: Fanconi's anemia. Identifiers: Orphanet 84, MedGen C0015625, MeSH D005199, MONDO:0019391.
Fanconi anemia complementation group F. Also called: FANCF-Related Fanconi Anemia. Identifiers: Orphanet 84, MedGen C3469526, MONDO:0011325, OMIM 603467.

Allele frequency attached by ClinVar (database versions not stated): gnomAD 0.00001; gnomAD exomes 0.00001 and 0.00003; ExAC 0.00003; TOPMed 0.00005; ESP Exome Variant Server 0.00008.
gnomAD v4.1: 20 of 1,614,094 alleles (0.0012%); highest among the groups gnomAD compares: Admixed American, 0.0017%; no homozygotes.

Submissions (4):

Labcorp Genetics (formerly Invitae), Labcorp
Classification: Uncertain significance for Fanconi anemia. Last evaluated: 2026-01-12. Review status: criteria provided, single submitter. Criteria: Invitae Variant Classification Sherloc (09022015). Collection method: clinical testing. Allele origin: germline.
Comment: This sequence change replaces leucine, which is neutral and non-polar, with proline, which is neutral and non-polar, at codon 111 of the FANCF protein (p.Leu111Pro). This variant is present in population databases (rs373385251, gnomAD 0.006%). This variant has not been reported in the literature in individuals affected with FANCF-related conditions. ClinVar contains an entry for this variant (Variation ID: 964253). Invitae Evidence Modeling of protein sequence and biophysical properties (such as structural, functional, and spatial information, amino acid conservation, physicochemical variation, residue mobility, and thermodynamic stability) indicates that this missense variant is expected to disrupt FANCF protein function with a positive predictive value of 80%. In summary, the available evidence is currently insufficient to determine the role of this variant in disease. Therefore, it has been classified as a Variant of Uncertain Significance.

Fulgent Genetics
Classification: Uncertain significance for Fanconi anemia complementation group F. Last evaluated: 2022-01-27. Review status: criteria provided, single submitter. Criteria: ACMG Guidelines, 2015. Collection method: clinical testing. Allele origin: unknown.

Blueprint Genetics
Classification: Uncertain significance. Last evaluated: 2020-07-23. Review status: criteria provided, single submitter. Criteria: ACMG Guidelines, 2015. Collection method: clinical testing. Allele origin: germline.

Genetic Services Laboratory, University of Chicago
Classification: Uncertain significance. Last evaluated: 2018-08-07. Review status: criteria provided, single submitter. Criteria: ACMG Guidelines, 2015. Collection method: clinical testing. Allele origin: germline. Affected: no.